The following is an entry in ClinVar:

ClinVar aggregate classification (germline): Pathogenic (1 of 4 stars; one submission).

Submission:

GeneDx
Classification: Pathogenic. Last evaluated: 2025-07-31. Review status: criteria provided, single submitter. Criteria: GeneDx Variant Classification Process June 2021. Collection method: clinical testing. Allele origin: germline. Affected: yes.
Comment: Not observed at significant frequency in large population cohorts (gnomAD); In silico analysis supports that this missense variant has a deleterious effect on protein structure/function; This variant is associated with the following publications: (PMID: 35982159, 33057194)

NM_024665.7(TBL1XR1):c.820T>A (p.Trp274Arg)

Genes: TBL1XR1 (TBL1X/Y related 1; minus strand), TBL1XR1-AS1 (TBL1XR1 antisense RNA 1; plus strand). Cytogenetic location: 3q26.32.
Variant type: single nucleotide variant.
Coding change: c.820T>A on transcript NM_024665.7 (MANE Select); coding-DNA position 820, T replaced by A.
Protein change: p.Trp274Arg; replaces tryptophan 274 with arginine.
Molecular consequence: missense variant.
Genome position (GRCh38, 1-based): chr3:177,047,344, A>T on the plus strand (T>A on the coding strand, the complement: TBL1XR1 is on the minus strand). VCF-style: chr3-177047344-A-T. GRCh37 (hg19) VCF-style: chr3-176765132-A-T.
Other names: c.820T>A, p.Trp274Arg (NM_001321193.3, NM_001321194.3, NM_001374327.1 and 2 more transcripts); c.559T>A, p.Trp187Arg (NM_001321195.3, NM_001374330.1); short protein forms W187R, W274R.
Identifiers: ClinVar variation 4689811 (VCV004689811.1).